The following is an entry in ClinVar:

ClinVar aggregate classification (germline): Uncertain significance (1 of 4 stars; one submission).

Submission:

Mayo Clinic Laboratories, Mayo Clinic
Classification: Uncertain significance. Last evaluated: 2025-07-02. Review status: criteria provided, single submitter. Criteria: ACMG Guidelines, 2015. Collection method: clinical testing. Allele origin: germline. Observed: 1 variant allele.
Comment: PM2_supporting

NM_000178.4(GSS):c.1129G>A (p.Glu377Lys)

Gene: GSS (glutathione synthetase; minus strand). Cytogenetic location: 20q11.22.
Variant type: single nucleotide variant.
Coding change: c.1129G>A on transcript NM_000178.4 (MANE Select); coding-DNA position 1129, G replaced by A.
Protein change: p.Glu377Lys; replaces glutamic acid 377 with lysine.
Molecular consequence: missense variant.
Genome position (GRCh38, 1-based): chr20:34,929,573, C>T on the plus strand (G>A on the coding strand, the complement: GSS is on the minus strand). VCF-style: chr20-34929573-C-T. GRCh37 (hg19) VCF-style: chr20-33517376-C-T.
Other names: p.Glu377Lys; c.1129G>A, p.Glu377Lys (NM_001322494.1, NM_001322495.1); short protein forms E377K.
Identifiers: ClinVar variation 4542386 (VCV004542386.1).
Genomic context (GRCh38, chr20:34,929,573, plus strand): 5'-GGATGTAGGAGGCCCTCTCCTCACTGTCCTTCAGCTGTTTCAGGGCCTGTACCATTTCCT[C>T]CCCATATAGGTTGTTACCTGCAATGAAACTGGCCAGTCACCCTGGACCCTCTGCCTACCT-3'
Protein context (NP_000169.1, residues 367-387): REGGGNNLYG[Glu377Lys]EMVQALKQLK